The following is an entry in ClinVar:

ClinVar aggregate classification (germline): Uncertain significance (1 of 4 stars; one submission).

Conditions:
Primary ciliary dyskinesia. Also called: Ciliary dyskinesia. Identifiers: Orphanet 244, MedGen C0008780, MONDO:0016575, HP:0012265.

gnomAD v4.1: 6 of 1,614,166 alleles (0.00037%); highest among the groups gnomAD compares: East Asian, 0.0022%; no homozygotes.

Submission:

Ambry Genetics
Classification: Uncertain significance for Primary ciliary dyskinesia. Last evaluated: 2025-03-25. Review status: criteria provided, single submitter. Criteria: Ambry Variant Classification Scheme 2023. Collection method: clinical testing. Allele origin: germline.
Comment: The p.I4322V variant (also known as c.12964A>G), located in coding exon 75 of the DNAH5 gene, results from an A to G substitution at nucleotide position 12964. The isoleucine at codon 4322 is replaced by valine, an amino acid with highly similar properties. This amino acid position is conserved. In addition, this alteration is predicted to be tolerated by in silico analysis. Based on the available evidence, the clinical significance of this variant remains unclear.

NM_001369.3(DNAH5):c.12964A>G (p.Ile4322Val)

Gene: DNAH5 (dynein axonemal heavy chain 5; minus strand). Cytogenetic location: 5p15.2.
Variant type: single nucleotide variant.
Coding change: c.12964A>G on transcript NM_001369.3 (MANE Select); coding-DNA position 12964, A replaced by G.
Protein change: p.Ile4322Val; replaces isoleucine 4322 with valine.
Molecular consequence: missense variant.
Genome position (GRCh38, 1-based): chr5:13,714,566, T>C on the plus strand (A>G on the coding strand, the complement: DNAH5 is on the minus strand). VCF-style: chr5-13714566-T-C. GRCh37 (hg19) VCF-style: chr5-13714675-T-C.
Other names: short protein forms I4322V.
Identifiers: ClinVar variation 4013095 (VCV004013095.1).
Genomic context (GRCh38, chr5:13,714,566, plus strand): 5'-TGGGTTGGATGCCTAGGATGGTGTCCAGCACGTCCTTGGCCAGCTTGCTCTGGTAGGTGA[T>C]GTCAGCATTGGGGTGCAGCCCAAACACCTCAGGGCTGTCATAGGCAGGCAAACTCTGAAC-3'
Protein context (NP_001360.1, residues 4312-4332): EVFGLHPNAD[Ile4322Val]TYQSKLAKDV